The following is an entry in ClinVar:

NM_005422.4(TECTA):c.3827T>G (p.Phe1276Cys)

Genes: TBCEL-TECTA (TBCEL-TECTA readthrough; plus strand), TECTA (tectorin alpha; plus strand). Cytogenetic location: 11q23.3.
Variant type: single nucleotide variant.
Coding change: c.3827T>G on transcript NM_005422.4 (MANE Select); coding-DNA position 3827, T replaced by G.
Protein change: p.Phe1276Cys; replaces phenylalanine 1276 with cysteine.
Molecular consequence: missense variant.
Genome position (GRCh38, 1-based): chr11:121,145,838, T>G. VCF-style: chr11-121145838-T-G. GRCh37 (hg19) VCF-style: chr11-121016547-T-G.
Other names: c.4784T>G, p.Phe1595Cys (NM_001378761.1); short protein forms F1276C, F1595C.
Identifiers: ClinVar variation 1310373 (VCV001310373.2), dbSNP rs2135106435, ClinGen allele CA383022592.

ClinVar aggregate classification (germline): Uncertain significance (1 of 4 stars; one submission).

Submission:

GeneDx
Classification: Uncertain significance. Last evaluated: 2019-09-03. Review status: criteria provided, single submitter. Criteria: GeneDx Variant Classification Process June 2021. Collection method: clinical testing. Allele origin: germline. Affected: yes.
Comment: Not observed in large population cohorts (Lek et al., 2016); In silico analysis, which includes protein predictors and evolutionary conservation, supports that this variant does not alter protein structure/function; Has not been previously published as pathogenic or benign to our knowledge